The following is an entry in ClinVar:

NM_000059.4(BRCA2):c.5239_5240insT (p.Asn1747fs)

Gene: BRCA2 (BRCA2 DNA repair associated; plus strand). Cytogenetic location: 13q13.1.
Variant type: Insertion.
Coding change: c.5239_5240insT on transcript NM_000059.4 (MANE Select); coding-DNA positions 5239 to 5240, T inserted.
Protein change: p.Asn1747fs; shifts the reading frame from asparagine 1747.
Molecular consequence: frameshift variant.
Genome position: GRCh38 VCF-style: chr13-32339594-A-AT. GRCh37 (hg19) VCF-style: chr13-32913731-A-AT.
Other names: 5467insT; short protein forms N1747fs.
Identifiers: ClinVar variation 126064 (VCV000126064.5), dbSNP rs80359500, ClinGen allele CA021833.

ClinVar aggregate classification (germline): Pathogenic. Review status: reviewed by expert panel (3 of 4 stars). 4 submissions from 4 submitters: Pathogenic (1). 3 of the submissions do not count toward it. Last evaluated 2016-09-08.

Conditions:
Hereditary breast ovarian cancer syndrome. Also called: Hereditary breast and ovarian cancer; Hereditary breast and/or ovarian cancer syndrome; BRCA1- and BRCA2-Associated Hereditary Breast and Ovarian Cancer; Hereditary breast and ovarian cancer syndrome; Hereditary breast and ovarian cancer syndrome (HBOC); Breast and ovarian cancer. Identifiers: Orphanet 145, MedGen C0677776, MeSH D061325, MONDO:0003582. Disease mechanism: loss of function.
Breast-ovarian cancer, familial, susceptibility to, 2 (BROVCA2). Also called: BRCA2 Hereditary Breast and Ovarian Cancer. Identifiers: Orphanet 145, MedGen C2675520, MONDO:0012933, OMIM 612555. Disease mechanism: loss of function.

Submissions (4):

Evidence-based Network for the Interpretation of Germline Mutant Alleles (ENIGMA)
Classification: Pathogenic for Breast-ovarian cancer, familial, susceptibility to, 2. Last evaluated: 2016-09-08. Review status: reviewed by expert panel. Criteria: ENIGMA BRCA1/2 Classification Criteria (2015). Collection method: curation. Allele origin: germline.
Comment: Variant allele predicted to encode a truncated non-functional protein.

Consortium of Investigators of Modifiers of BRCA1/2 (CIMBA), c/o University of Cambridge
Classification: Pathogenic for Breast-ovarian cancer, familial, susceptibility to, 2. Last evaluated: 2015-10-02. Review status: criteria provided, single submitter. Criteria: CIMBA Mutation Classification guidelines May 2016. Collection method: clinical testing. Allele origin: germline. Not counted in ClinVar's aggregate classification.

Research Molecular Genetics Laboratory, Women's College Hospital, University of Toronto
Classification: Pathogenic for Hereditary breast ovarian cancer syndrome. Last evaluated: 2014-01-31. Review status: no assertion criteria provided. Collection method: research. Allele origin: germline. Affected: yes. Study: The Canadian Open Genetics Repository (COGR). Not counted in ClinVar's aggregate classification.

Breast Cancer Information Core (BIC) (BRCA2)
Classification: Pathogenic for Breast-ovarian cancer, familial 2. Last evaluated: 2002-05-29. Review status: no assertion criteria provided. Collection method: clinical testing. Allele origin: germline. Affected: yes. Observed: 2 variant alleles. Not counted in ClinVar's aggregate classification.